The following is an entry in ClinVar:

NM_000170.3(GLDC):c.689T>C (p.Ile230Thr)

Gene: GLDC (glycine decarboxylase; minus strand). Cytogenetic location: 9p24.1.
Variant type: single nucleotide variant.
Coding change: c.689T>C on transcript NM_000170.3 (MANE Select); coding-DNA position 689, T replaced by C.
Protein change: p.Ile230Thr; replaces isoleucine 230 with threonine.
Molecular consequence: missense variant.
Genome position (GRCh38, 1-based): chr9:6,606,616, A>G on the plus strand (T>C on the coding strand, the complement: GLDC is on the minus strand). VCF-style: chr9-6606616-A-G. GRCh37 (hg19) VCF-style: chr9-6606616-A-G.
Other names: short protein forms I230T.
Identifiers: ClinVar variation 2172767 (VCV002172767.1), dbSNP rs2129903541, ClinGen allele CA372897447.

ClinVar aggregate classification (germline): Uncertain significance (1 of 4 stars; one submission).

Conditions:
Glycine encephalopathy. Also called: Non-ketotic hyperglycinemia; Nonketotic hyperglycinemia. Identifiers: Orphanet 407, MedGen C0751748, MONDO:0011612, HP:0008288.

Submission:

Labcorp Genetics (formerly Invitae), Labcorp
Classification: Uncertain significance for Glycine encephalopathy. Last evaluated: 2021-09-24. Review status: criteria provided, single submitter. Criteria: Invitae Variant Classification Sherloc (09022015). Collection method: clinical testing. Allele origin: germline.
Comment: This sequence change replaces isoleucine with threonine at codon 230 of the GLDC protein (p.Ile230Thr). The isoleucine residue is moderately conserved and there is a moderate physicochemical difference between isoleucine and threonine. This variant is not present in population databases (ExAC no frequency). This variant has not been reported in the literature in individuals with GLDC-related conditions. Algorithms developed to predict the effect of missense changes on protein structure and function are either unavailable or do not agree on the potential impact of this missense change (SIFT: "Deleterious"; PolyPhen-2: "Possibly Damaging"; Align-GVGD: "Class C0"). In summary, the available evidence is currently insufficient to determine the role of this variant in disease. Therefore, it has been classified as a Variant of Uncertain Significance.